The following is an entry in ClinVar:

NM_020937.4(FANCM):c.3898G>T (p.Glu1300Ter)

Gene: FANCM (FA complementation group M; plus strand). Cytogenetic location: 14q21.2.
Variant type: single nucleotide variant.
Coding change: c.3898G>T on transcript NM_020937.4 (MANE Select); coding-DNA position 3898, G replaced by T.
Protein change: p.Glu1300Ter; replaces glutamic acid 1300 with a stop codon.
Molecular consequence: nonsense.
Genome position (GRCh38, 1-based): chr14:45,176,652, G>T. VCF-style: chr14-45176652-G-T. GRCh37 (hg19) VCF-style: chr14-45645855-G-T.
Other names: c.3898G>T (NM_020937.3, NM_020937.2); c.3820G>T, p.Glu1274Ter (NM_001308133.2); short protein forms E1274*, E1300*.
Identifiers: ClinVar variation 1012833 (VCV001012833.46), dbSNP rs751795256, ClinGen allele CA389603460.

ClinVar aggregate classification (germline): Pathogenic/Likely pathogenic. Review status: criteria provided, multiple submitters, no conflicts (2 of 4 stars). 4 submissions from 4 submitters: Pathogenic (2); Likely pathogenic (2). Last evaluated 2025-09-04.

Conditions:
Fanconi anemia (FA). Also called: Fanconi's anemia. Identifiers: Orphanet 84, MedGen C0015625, MeSH D005199, MONDO:0019391.

gnomAD v4.1: 6 of 1,613,722 alleles (0.00037%); highest among the groups gnomAD compares: Non-Finnish European, 0.00051%; no homozygotes.

Submissions (4):

Labcorp Genetics (formerly Invitae), Labcorp
Classification: Pathogenic for Fanconi anemia. Last evaluated: 2025-09-04. Review status: criteria provided, single submitter. Criteria: Invitae Variant Classification Sherloc (09022015). Collection method: clinical testing. Allele origin: germline.
Comment: This sequence change creates a premature translational stop signal (p.Glu1300*) in the FANCM gene. It is expected to result in an absent or disrupted protein product. Loss-of-function variants in FANCM are known to be pathogenic (PMID: 29895858, 30075111). This variant is not present in population databases (gnomAD no frequency). This premature translational stop signal has been observed in individual(s) with breast cancer (PMID: 28715532). ClinVar contains an entry for this variant (Variation ID: 1012833). For these reasons, this variant has been classified as Pathogenic.

Genetic Services Laboratory, University of Chicago
Classification: Likely pathogenic. Last evaluated: 2024-04-23. Review status: criteria provided, single submitter. Criteria: ACMG Guidelines, 2015. Collection method: clinical testing. Allele origin: germline. Affected: yes.
Comment: DNA sequence analysis of the FANCM gene demonstrated a sequence change, c.3898G>T, which results in the creation of a premature stop codon at amino acid position 1300, p.Glu1300*. This pathogenic sequence change is predicted to result in an abnormal transcript, which may be degraded, or may lead to the production of a truncated FANCM protein with potentially abnormal function. This sequence change has been described in the gnomAD database with a frequency of 0.0004% in the overall population (dbSNP rs751795256). This pathogenic sequence change has previously been described in individuals with breast cancer (PMID: 28715532, 31991861). Collectively, this evidence indicates that this sequence change is likely pathogenic.

CeGaT Center for Human Genetics Tuebingen
Classification: Pathogenic. Last evaluated: 2023-12-01. Review status: criteria provided, single submitter. Criteria: CeGaT Center For Human Genetics Tuebingen Variant Classification Criteria Version 2. Collection method: clinical testing. Allele origin: germline. Affected: yes. Observed: 2 variant alleles.
Comment: FANCM: PVS1, PM2

GeneDx
Classification: Likely pathogenic. Last evaluated: 2023-11-08. Review status: criteria provided, single submitter. Criteria: GeneDx Variant Classification Process June 2021. Collection method: clinical testing. Allele origin: germline. Affected: yes.
Comment: Nonsense variant predicted to result in protein truncation or nonsense mediated decay in a gene for which loss of function is a known mechanism of disease; Not observed at significant frequency in large population cohorts (gnomAD); This variant is associated with the following publications: (PMID: 29895858, 28715532, 30075111, 31991861, 34308104)

Literature cited by the submitters: PubMed 29895858 (cited by Labcorp Genetics (formerly Invitae), Labcorp); PubMed 30075111 (cited by Labcorp Genetics (formerly Invitae), Labcorp); PubMed 28715532 (cited by Labcorp Genetics (formerly Invitae), Labcorp).